The following is an entry in ClinVar:

ClinVar aggregate classification (germline): Uncertain significance (1 of 4 stars; one submission).

Conditions:
Hereditary hyperferritinemia with congenital cataracts. Also called: Hereditary hyperferritinemia cataract syndrome; Bonneau-Beaumont syndrome; HYPERFERRITINEMIA WITH OR WITHOUT CATARACT. Identifiers: Orphanet 163, MedGen C1833213, MONDO:0010952, OMIM 600886.
Neuroferritinopathy (NBIA3). Also called: NEURODEGENERATION WITH BRAIN IRON ACCUMULATION 3; BASAL GANGLIA DISEASE, ADULT-ONSET. Identifiers: Orphanet 157846, MedGen C1853578, MONDO:0011638, OMIM 606159.

Submission:

Labcorp Genetics (formerly Invitae), Labcorp
Classification: Uncertain significance for Neuroferritinopathy; Hereditary hyperferritinemia with congenital cataracts. Last evaluated: 2025-09-12. Review status: criteria provided, single submitter. Criteria: Invitae Variant Classification Sherloc (09022015). Collection method: clinical testing. Allele origin: germline.
Comment: This sequence change replaces lysine, which is basic and polar, with asparagine, which is neutral and polar, at codon 144 of the FTL protein (p.Lys144Asn). This variant is not present in population databases (gnomAD no frequency). This variant has not been reported in the literature in individuals affected with FTL-related conditions. An algorithm developed to predict the effect of missense changes on protein structure and function (PolyPhen-2) suggests that this variant is likely to be disruptive. In summary, the available evidence is currently insufficient to determine the role of this variant in disease. Therefore, it has been classified as a Variant of Uncertain Significance.

NM_000146.4(FTL):c.432G>C (p.Lys144Asn)

Gene: FTL (ferritin light chain; plus strand). Cytogenetic location: 19q13.33.
Variant type: single nucleotide variant.
Coding change: c.432G>C on transcript NM_000146.4 (MANE Select); coding-DNA position 432, G replaced by C.
Protein change: p.Lys144Asn; replaces lysine 144 with asparagine.
Molecular consequence: missense variant.
Genome position (GRCh38, 1-based): chr19:48,966,639, G>C. VCF-style: chr19-48966639-G-C. GRCh37 (hg19) VCF-style: chr19-49469896-G-C.
Other names: short protein forms K144N.
Identifiers: ClinVar variation 4786083 (VCV004786083.1).